The following is an entry in ClinVar:

NM_000059.4(BRCA2):c.8800C>A (p.Gln2934Lys)

Gene: BRCA2 (BRCA2 DNA repair associated; plus strand). Cytogenetic location: 13q13.1.
Variant type: single nucleotide variant.
Coding change: c.8800C>A on transcript NM_000059.4 (MANE Select); coding-DNA position 8800, C replaced by A.
Protein change: p.Gln2934Lys; replaces glutamine 2934 with lysine.
Molecular consequence: missense variant.
Genome position (GRCh38, 1-based): chr13:32,379,362, C>A. VCF-style: chr13-32379362-C-A. GRCh37 (hg19) VCF-style: chr13-32953499-C-A.
Other names: short protein forms Q2934K.
Identifiers: ClinVar variation 1677164 (VCV001677164.3), dbSNP rs2137619340, ClinGen allele CA387755992.

ClinVar aggregate classification (germline): Uncertain significance. Review status: criteria provided, multiple submitters, no conflicts (2 of 4 stars). 2 submissions from 2 submitters: Uncertain significance (2). Last evaluated 2022-10-17.

Conditions:
Hereditary cancer-predisposing syndrome. Also called: Hereditary neoplastic syndrome; Neoplastic Syndromes, Hereditary; Tumor predisposition; Hereditary Cancer Syndrome. Identifiers: Orphanet 140162, MedGen C0027672, MeSH D009386, MONDO:0015356.

Allele frequency attached by ClinVar (database versions not stated): gnomAD exomes below 0.00001.

Submissions (2):

Color Diagnostics, LLC DBA Color Health
Classification: Uncertain significance for Hereditary cancer-predisposing syndrome. Last evaluated: 2022-10-17. Review status: criteria provided, single submitter. Criteria: ACMG Guidelines, 2015. Collection method: clinical testing. Allele origin: germline.
Comment: This missense variant replaces glutamine with lysine at codon 2934 of the BRCA2 protein. Computational prediction suggests that this variant may not impact protein structure and function (internally defined REVEL score threshold <= 0.5, PMID: 27666373). To our knowledge, functional studies have not been reported for this variant. This variant has not been reported in individuals affected with hereditary cancer in the literature. This variant has not been identified in the general population by the Genome Aggregation Database (gnomAD). The available evidence is insufficient to determine the role of this variant in disease conclusively. Therefore, this variant is classified as a Variant of Uncertain Significance.

Women's Health and Genetics/Laboratory Corporation of America, LabCorp
Classification: Uncertain significance. Last evaluated: 2022-03-21. Review status: criteria provided, single submitter. Criteria: LabCorp Variant Classification Summary - May 2015. Collection method: clinical testing. Allele origin: germline.
Comment: Variant summary: BRCA2 c.8800C>A (p.Gln2934Lys) results in a conservative amino acid change in the encoded protein sequence. Three of five in-silico tools predict a damaging effect of the variant on protein function. The variant was absent in 250796 control chromosomes (gnomAD). The available data on variant occurrences in the general population are insufficient to allow any conclusion about variant significance. To our knowledge, no occurrence of c.8800C>A in individuals affected with Hereditary Breast And Ovarian Cancer Syndrome and no experimental evidence demonstrating its impact on protein function have been reported. No clinical diagnostic laboratories have submitted clinical-significance assessments for this variant to ClinVar after 2014, however a similar variant (c.8799_8800delinsAA, p.Gln2934Lys, ClinVar ID 581007) resulting in the same amino acid change was classified as uncertain significance. Based on the evidence outlined above, the variant was classified as uncertain significance.